The following is an entry in ClinVar:

ClinVar aggregate classification (germline): Uncertain significance (1 of 4 stars; one submission).

Allele frequency attached by ClinVar (database versions not stated): gnomAD exomes below 0.00001.
gnomAD v4.1: 2 of 1,612,926 alleles (0.00012%); highest among the groups gnomAD compares: Admixed American, 0.0017%; no homozygotes.

Submission:

Labcorp Genetics (formerly Invitae), Labcorp
Classification: Uncertain significance. Last evaluated: 2022-01-02. Review status: criteria provided, single submitter. Criteria: Invitae Variant Classification Sherloc (09022015). Collection method: clinical testing. Allele origin: germline.
Comment: In summary, the available evidence is currently insufficient to determine the role of this variant in disease. Therefore, it has been classified as a Variant of Uncertain Significance. Algorithms developed to predict the effect of missense changes on protein structure and function (SIFT, PolyPhen-2, Align-GVGD) all suggest that this variant is likely to be tolerated. This variant has not been reported in the literature in individuals affected with CHRM2-related conditions. This variant is not present in population databases (gnomAD no frequency). This sequence change replaces serine, which is neutral and polar, with proline, which is neutral and non-polar, at codon 315 of the CHRM2 protein (p.Ser315Pro).

NM_001006630.2(CHRM2):c.943T>C (p.Ser315Pro)

Genes: CHRM2 (cholinergic receptor muscarinic 2; plus strand), LOC349160 (uncharacterized LOC349160; minus strand). Cytogenetic location: 7q33.
Variant type: single nucleotide variant.
Coding change: c.943T>C on transcript NM_001006630.2 (MANE Select); coding-DNA position 943, T replaced by C.
Protein change: p.Ser315Pro; replaces serine 315 with proline.
Molecular consequence: missense variant.
Genome position (GRCh38, 1-based): chr7:137,015,808, T>C. VCF-style: chr7-137015808-T-C. GRCh37 (hg19) VCF-style: chr7-136700555-T-C.
Other names: c.943T>C, p.Ser315Pro (NM_000739.3, NM_001006626.3, NM_001006627.3 and 6 more transcripts); short protein forms S315P.
Identifiers: ClinVar variation 2071120 (VCV002071120.4), dbSNP rs2536209185, ClinGen allele CA369487621.
Genomic context (GRCh38, chr7:137,015,808, plus strand): 5'-AATATGAGAGATGATGAAATAACCCAGGATGAAAACACAGTTTCCACTTCCCTGGGCCAT[T>C]CCAAAGATGAGAACTCTAAGCAAACATGCATCAGAATTGGCACCAAGACCCCAAAAAGTG-3'
Protein context (NP_001006631.1, residues 305-325): ENTVSTSLGH[Ser315Pro]KDENSKQTCI